The following is an entry in ClinVar:

ClinVar aggregate classification (germline): Pathogenic (1 of 4 stars; one submission).

Conditions:
Glycine encephalopathy 1 (GCE1). Identifiers: MedGen CN376801, MONDO:0958179, OMIM 605899.

Submission:

Myriad Genetics, Inc.
Classification: Pathogenic for Glycine encephalopathy 1. Last evaluated: 2025-07-20. Review status: criteria provided, single submitter. Criteria: Myriad Autosomal Dominant, Autosomal Recessive and X-Linked Classification Criteria (2023). Collection method: clinical testing. Allele origin: unknown.
Comment: NM_000170.2(GLDC):c.2683_2686delATGT(M895Pfs*28) is expected to be pathogenic in the context of glycine encephalopathy, GLDC-related. This variant is predicted to lead to an abnormal or absent protein product due to the creation of a premature termination codon in GLDC, a gene where loss-of-function variants are known to be pathogenic. Please note: this variant was assessed in the context of healthy population screening.

NM_000170.3(GLDC):c.2683_2686del (p.Met895fs)

Gene: GLDC (glycine decarboxylase; minus strand). Cytogenetic location: 9p24.1.
Variant type: Deletion.
Coding change: c.2683_2686del on transcript NM_000170.3 (MANE Select); coding-DNA positions 2683 to 2686, 4 bases deleted (ATGT; older notation c.2683_2686delATGT).
Protein change: p.Met895fs; shifts the reading frame from methionine 895.
Molecular consequence: frameshift variant.
Genome position (GRCh38, 1-based): chr9:6,536,216-6,536,219, ACAT deleted on the plus strand (ATGT on the coding strand, the reverse complement: GLDC is on the minus strand). VCF-style (leftmost placement, unchanged base first): chr9-6536215-GACAT-G. GRCh37 (hg19) VCF-style: chr9-6536215-GACAT-G.
Other names: short protein forms M895fs.
Identifiers: ClinVar variation 5014749 (VCV005014749.1).